The following is an entry in ClinVar:

NM_000257.4(MYH7):c.3578G>T (p.Arg1193Leu)

Gene: MYH7 (myosin heavy chain 7; minus strand). Cytogenetic location: 14q11.2.
Variant type: single nucleotide variant.
Coding change: c.3578G>T on transcript NM_000257.4 (MANE Select); coding-DNA position 3578, G replaced by T.
Protein change: p.Arg1193Leu; replaces arginine 1193 with leucine.
Molecular consequence: missense variant.
Genome position (GRCh38, 1-based): chr14:23,419,993, C>A on the plus strand (G>T on the coding strand, the complement: MYH7 is on the minus strand). VCF-style: chr14-23419993-C-A. GRCh37 (hg19) VCF-style: chr14-23889202-C-A.
Other names: c.3578G>T, p.Arg1193Leu (NM_001407004.1); short protein forms R1193L.
Identifiers: ClinVar variation 4801928 (VCV004801928.1).

ClinVar aggregate classification (germline): Likely pathogenic (1 of 4 stars; one submission).

Conditions:
Hypertrophic cardiomyopathy. Also called: HYPERTROPHIC MYOCARDIOPATHY. Identifiers: Orphanet 217569, MedGen C0007194, MeSH D002312, MONDO:0005045, HP:0001639.

Submission:

Labcorp Genetics (formerly Invitae), Labcorp
Classification: Likely pathogenic for Hypertrophic cardiomyopathy. Last evaluated: 2025-03-11. Review status: criteria provided, single submitter. Criteria: Invitae Variant Classification Sherloc (09022015). Collection method: clinical testing. Allele origin: germline.
Comment: This sequence change replaces arginine, which is basic and polar, with leucine, which is neutral and non-polar, at codon 1193 of the MYH7 protein (p.Arg1193Leu). This variant is not present in population databases (gnomAD no frequency). This missense change has been observed in individual(s) with dilated cardiomyopathy (internal data). Invitae Evidence Modeling of protein sequence and biophysical properties (such as structural, functional, and spatial information, amino acid conservation, physicochemical variation, residue mobility, and thermodynamic stability) indicates that this missense variant is expected to disrupt MYH7 protein function with a positive predictive value of 95%. This variant disrupts the p.Arg1193 amino acid residue in MYH7. Other variant(s) that disrupt this residue have been determined to be pathogenic (PMID: 22464770; external communication, internal data). This suggests that this residue is clinically significant, and that variants that disrupt this residue are likely to be disease-causing. In summary, the currently available evidence indicates that the variant is pathogenic, but additional data are needed to prove that conclusively. Therefore, this variant has been classified as Likely Pathogenic.

Literature cited by the submitters: PubMed 22464770.